The following is an entry in ClinVar:

ClinVar aggregate classification (germline): Uncertain significance (1 of 4 stars; one submission).

Conditions:
Orthostatic hypotension 1 (ORTHYP1). Also called: NORADRENALINE DEFICIENCY; NOREPINEPHRINE DEFICIENCY; Dopamine beta-hydroxylase deficiency; Orthostatic hypotension 1, due to DBH deficiency. Identifiers: Orphanet 230, MedGen C4746777, MONDO:0009123, OMIM 223360.

Submission:

Labcorp Genetics (formerly Invitae), Labcorp
Classification: Uncertain significance for Orthostatic hypotension 1. Last evaluated: 2019-07-25. Review status: criteria provided, single submitter. Criteria: Invitae Variant Classification Sherloc (09022015). Collection method: clinical testing. Allele origin: germline.
Comment: In summary, the available evidence is currently insufficient to determine the role of this variant in disease. Therefore, it has been classified as a Variant of Uncertain Significance. Algorithms developed to predict the effect of missense changes on protein structure and function (SIFT, PolyPhen-2, Align-GVGD) all suggest that this variant is likely to be tolerated, but these predictions have not been confirmed by published functional studies and their clinical significance is uncertain. This variant has not been reported in the literature in individuals with DBH-related conditions. This variant is not present in population databases (ExAC no frequency). This sequence change replaces alanine with valine at codon 218 of the DBH protein (p.Ala218Val). The alanine residue is moderately conserved and there is a small physicochemical difference between alanine and valine.

NM_000787.4(DBH):c.653C>T (p.Ala218Val)

Gene: DBH (dopamine beta-hydroxylase; plus strand). Cytogenetic location: 9q34.2.
Variant type: single nucleotide variant.
Coding change: c.653C>T on transcript NM_000787.4 (MANE Select); coding-DNA position 653, C replaced by T.
Protein change: p.Ala218Val; replaces alanine 218 with valine.
Molecular consequence: missense variant.
Genome position (GRCh38, 1-based): chr9:133,642,373, C>T. VCF-style: chr9-133642373-C-T. GRCh37 (hg19) VCF-style: chr9-136507495-C-T.
Other names: short protein forms A218V.
Identifiers: ClinVar variation 959878 (VCV000959878.10), dbSNP rs1432782074, ClinGen allele CA375411688.